The following is an entry in ClinVar:

ClinVar aggregate classification (germline): Likely benign (1 of 4 stars; one submission).

gnomAD v4.1: 58 of 1,614,022 alleles (0.0036%); highest among the groups gnomAD compares: Non-Finnish European, 0.0046%; no homozygotes.

Submission:

CeGaT Center for Human Genetics Tuebingen
Classification: Likely benign. Last evaluated: 2026-03-01. Review status: criteria provided, single submitter. Criteria: CeGaT Center For Human Genetics Tuebingen Variant Classification Criteria Version 2. Collection method: clinical testing. Allele origin: germline. Affected: yes. Observed: 1 variant allele.
Comment: TUBG1: BP4, BP7

NM_001070.5(TUBG1):c.843+21C>T

Gene: TUBG1 (tubulin gamma 1; plus strand). Cytogenetic location: 17q21.2.
Variant type: single nucleotide variant.
Coding change: c.843+21C>T on transcript NM_001070.5 (MANE Select); 21 bases into the intron after coding-DNA position 843, C replaced by T.
Molecular consequence: intron variant.
Genome position (GRCh38, 1-based): chr17:42,614,019, C>T. VCF-style: chr17-42614019-C-T. GRCh37 (hg19) VCF-style: chr17-40766037-C-T.
Identifiers: ClinVar variation 4822110 (VCV004822110.4).
Genomic context (GRCh38, chr17:42,614,019, plus strand): 5'-CCTCATGACCGGCTACACCCCTCTCACTACGGACCAGTCAGTAAGAGCAGCCTTCAGTGT[C>T]CCAGGCCAGGCCGGCCCTGGGCCCAACAGGCCCTGTCCTAGCCTTTCTCTCTTCCCCACT-3'